The following is an entry in ClinVar:

ClinVar aggregate classification (germline): Pathogenic (1 of 4 stars; one submission).

Conditions:
Polycystic kidney disease 2 (PKD2). Also called: Polycystic Kidney Disease 2, Autosomal Dominant; POLYCYSTIC KIDNEY DISEASE, ADULT, TYPE II; POLYCYSTIC KIDNEY DISEASE 2 WITH OR WITHOUT POLYCYSTIC LIVER DISEASE. Identifiers: MedGen C2751306, MONDO:0013131, OMIM 613095.

Submission:

MVZ Medizinische Genetik Mainz
Classification: Pathogenic for Polycystic kidney disease 2. Last evaluated: 2026-06-01. Review status: criteria provided, single submitter. Criteria: UK Practice Guidelines For Variant Classification V4 01 2020. Collection method: clinical testing. Allele origin: germline. Inheritance: Autosomal dominant inheritance. Affected: yes. Observed: 1 variant allele.
Comment: ACMG Criteria: PVS1,PM2_SUP,PP4

NM_000297.4(PKD2):c.2611G>T (p.Glu871Ter)

Gene: PKD2 (polycystin 2, transient receptor potential cation channel; plus strand). Cytogenetic location: 4q22.1.
Variant type: single nucleotide variant.
Coding change: c.2611G>T on transcript NM_000297.4 (MANE Select); coding-DNA position 2611, G replaced by T.
Protein change: p.Glu871Ter; replaces glutamic acid 871 with a stop codon.
Molecular consequence: nonsense. On other transcripts: non-coding transcript variant (1).
Genome position (GRCh38, 1-based): chr4:88,074,900, G>T. VCF-style: chr4-88074900-G-T. GRCh37 (hg19) VCF-style: chr4-88996052-G-T.
Other names: c.2386G>T, p.Glu796Ter (NM_001440544.1); short protein forms E796*, E871*.
Identifiers: ClinVar variation 4857237 (VCV004857237.1).